The following is an entry in ClinVar:

NM_015450.3(POT1):c.1132G>A (p.Val378Ile)

Gene: POT1 (protection of telomeres 1; minus strand). Cytogenetic location: 7q31.33.
Variant type: single nucleotide variant.
Coding change: c.1132G>A on transcript NM_015450.3 (MANE Select); coding-DNA position 1132, G replaced by A.
Protein change: p.Val378Ile; replaces valine 378 with isoleucine.
Molecular consequence: missense variant. On other transcripts: non-coding transcript variant (3).
Genome position (GRCh38, 1-based): chr7:124,842,838, C>T on the plus strand (G>A on the coding strand, the complement: POT1 is on the minus strand). VCF-style: chr7-124842838-C-T. GRCh37 (hg19) VCF-style: chr7-124482892-C-T.
Other names: c.739G>A, p.Val247Ile (NM_001042594.2); short protein forms V247I, V378I.
Identifiers: ClinVar variation 2818897 (VCV002818897.3), dbSNP rs1245805221, ClinGen allele CA369068201.

ClinVar aggregate classification (germline): Uncertain significance (1 of 4 stars; one submission).

Conditions:
Tumor predisposition syndrome 3 (TPDS3). Also called: Melanoma, cutaneous malignant, susceptibility to, 10; LONG TELOMERE SYNDROME, POT1-RELATED; POT1 Tumor Predisposition; Glioma susceptibility 9. Identifiers: Orphanet 618, MedGen C4014476, MONDO:0014368, OMIM 615848.

Submission:

Labcorp Genetics (formerly Invitae), Labcorp
Classification: Uncertain significance for Tumor predisposition syndrome 3. Last evaluated: 2023-03-02. Review status: criteria provided, single submitter. Criteria: Invitae Variant Classification Sherloc (09022015). Collection method: clinical testing. Allele origin: germline.
Comment: In summary, the available evidence is currently insufficient to determine the role of this variant in disease. Therefore, it has been classified as a Variant of Uncertain Significance. Advanced modeling of protein sequence and biophysical properties (such as structural, functional, and spatial information, amino acid conservation, physicochemical variation, residue mobility, and thermodynamic stability) performed at Invitae indicates that this missense variant is not expected to disrupt POT1 protein function. This variant has not been reported in the literature in individuals affected with POT1-related conditions. This variant is not present in population databases (gnomAD no frequency). This sequence change replaces valine, which is neutral and non-polar, with isoleucine, which is neutral and non-polar, at codon 378 of the POT1 protein (p.Val378Ile).